The following is an entry in ClinVar:

NM_001378477.3(NYX):c.152T>C (p.Val51Ala)

Gene: NYX (nyctalopin; plus strand). Cytogenetic location: Xp11.4.
Variant type: single nucleotide variant.
Coding change: c.152T>C on transcript NM_001378477.3 (MANE Select); coding-DNA position 152, T replaced by C.
Protein change: p.Val51Ala; replaces valine 51 with alanine.
Molecular consequence: missense variant.
Genome position (GRCh38, 1-based): chrX:41,473,620, T>C. VCF-style: chrX-41473620-T-C. GRCh37 (hg19) VCF-style: chrX-41332873-T-C.
Other names: c.152T>C, p.Val51Ala (NM_022567.3); c.167T>C (NM_022567.2); short protein forms V51A.
Identifiers: ClinVar variation 1039062 (VCV001039062.10), dbSNP rs2064372141, ClinGen allele CA412989511.

ClinVar aggregate classification (germline): Uncertain significance. Review status: criteria provided, multiple submitters, no conflicts (2 of 4 stars). 2 submissions from 2 submitters: Uncertain significance (2). Last evaluated 2022-07-28.

Submissions (2):

GeneDx
Classification: Uncertain significance. Last evaluated: 2022-07-28. Review status: criteria provided, single submitter. Criteria: GeneDx Variant Classification Process June 2021. Collection method: clinical testing. Allele origin: germline. Affected: yes.
Comment: Not observed at significant frequency in large population cohorts (gnomAD); In silico analysis supports that this missense variant has a deleterious effect on protein structure/function; Has not been previously published as pathogenic or benign to our knowledge

Labcorp Genetics (formerly Invitae), Labcorp
Classification: Uncertain significance. Last evaluated: 2022-03-10. Review status: criteria provided, single submitter. Criteria: Invitae Variant Classification Sherloc (09022015). Collection method: clinical testing. Allele origin: germline.
Comment: The frequency data for this variant in the population databases is considered unreliable, as metrics indicate insufficient coverage at this position in the gnomAD database. Algorithms developed to predict the effect of missense changes on protein structure and function (SIFT, PolyPhen-2, Align-GVGD) all suggest that this variant is likely to be disruptive. ClinVar contains an entry for this variant (Variation ID: 1039062). This variant has not been reported in the literature in individuals affected with NYX-related conditions. This sequence change replaces valine, which is neutral and non-polar, with alanine, which is neutral and non-polar, at codon 56 of the NYX protein (p.Val56Ala). In summary, the available evidence is currently insufficient to determine the role of this variant in disease. Therefore, it has been classified as a Variant of Uncertain Significance.